The following is an entry in ClinVar:

ClinVar aggregate classification (germline): Uncertain significance (1 of 4 stars; one submission).

Conditions:
Medium-chain acyl-coenzyme A dehydrogenase deficiency (ACADMD). Also called: Medium chain acyl-CoA dehydrogenase deficiency; MCADH DEFICIENCY; MCADD; ACADM DEFICIENCY; CARNITINE DEFICIENCY SECONDARY TO MEDIUM-CHAIN ACYL-CoA DEHYDROGENASE DEFICIENCY; MCAD Deficiency. Identifiers: Orphanet 42, MedGen C0220710, MONDO:0008721, OMIM 201450.

gnomAD v4.1: 3 of 1,612,712 alleles (0.00019%); highest among the groups gnomAD compares: Non-Finnish European, 0.00025%; no homozygotes.

Submission:

Labcorp Genetics (formerly Invitae), Labcorp
Classification: Uncertain significance for Medium-chain acyl-coenzyme A dehydrogenase deficiency. Last evaluated: 2022-03-20. Review status: criteria provided, single submitter. Criteria: Invitae Variant Classification Sherloc (09022015). Collection method: clinical testing. Allele origin: germline.
Comment: This sequence change replaces alanine, which is neutral and non-polar, with aspartic acid, which is acidic and polar, at codon 170 of the ACADM protein (p.Ala170Asp). This variant is not present in population databases (gnomAD no frequency). This variant has not been reported in the literature in individuals affected with ACADM-related conditions. Advanced modeling of protein sequence and biophysical properties (such as structural, functional, and spatial information, amino acid conservation, physicochemical variation, residue mobility, and thermodynamic stability) performed at Invitae indicates that this missense variant is expected to disrupt ACADM protein function. In summary, the available evidence is currently insufficient to determine the role of this variant in disease. Therefore, it has been classified as a Variant of Uncertain Significance.

NM_000016.6(ACADM):c.509C>A (p.Ala170Asp)

Gene: ACADM (acyl-CoA dehydrogenase medium chain; plus strand). Cytogenetic location: 1p31.1.
Variant type: single nucleotide variant.
Coding change: c.509C>A on transcript NM_000016.6 (MANE Select); coding-DNA position 509, C replaced by A.
Protein change: p.Ala170Asp; replaces alanine 170 with aspartic acid.
Molecular consequence: missense variant. On other transcripts: 5 prime UTR variant (1).
Genome position (GRCh38, 1-based): chr1:75,740,020, C>A. VCF-style: chr1-75740020-C-A. GRCh37 (hg19) VCF-style: chr1-76205705-C-A.
Other names: c.521C>A, p.Ala174Asp (NM_001127328.3); c.401C>A, p.Ala134Asp (NM_001286042.2); c.608C>A, p.Ala203Asp (NM_001286043.2); c.-59C>A (NM_001286044.2); short protein forms A134D, A203D, A170D, A174D.
Identifiers: ClinVar variation 2106476 (VCV002106476.1), dbSNP rs2100389579, ClinGen allele CA340815000.